The following is an entry in ClinVar:

NM_007194.4(CHEK2):c.41G>T (p.Gly14Val)

Gene: CHEK2 (checkpoint kinase 2; minus strand). Cytogenetic location: 22q12.1.
Variant type: single nucleotide variant.
Coding change: c.41G>T on transcript NM_007194.4 (MANE Select); coding-DNA position 41, G replaced by T.
Protein change: p.Gly14Val; replaces glycine 14 with valine.
Molecular consequence: missense variant.
Genome position (GRCh38, 1-based): chr22:28,734,681, C>A on the plus strand (G>T on the coding strand, the complement: CHEK2 is on the minus strand). VCF-style: chr22-28734681-C-A. GRCh37 (hg19) VCF-style: chr22-29130669-C-A.
Other names: c.41G>T, p.Gly14Val (NM_001005735.3, NM_001349956.3, NM_145862.3); c.-737G>T (NM_001257387.3); short protein forms G14V.
Identifiers: ClinVar variation 1010307 (VCV001010307.9), dbSNP rs1601854035, ClinGen allele CA411091922.

ClinVar aggregate classification (germline): Uncertain significance (1 of 4 stars; one submission).

Conditions:
Familial cancer of breast. Also called: BREAST CANCER, FAMILIAL; Hereditary breast cancer; hereditary breast carcinoma. Identifiers: Orphanet 227535, MedGen C0346153, MONDO:0016419, OMIM 114480. Disease mechanism: loss of function.

Submission:

Labcorp Genetics (formerly Invitae), Labcorp
Classification: Uncertain significance for Familial cancer of breast. Last evaluated: 2022-09-30. Review status: criteria provided, single submitter. Criteria: Invitae Variant Classification Sherloc (09022015). Collection method: clinical testing. Allele origin: germline.
Comment: This sequence change replaces glycine, which is neutral and non-polar, with valine, which is neutral and non-polar, at codon 14 of the CHEK2 protein (p.Gly14Val). This variant is not present in population databases (gnomAD no frequency). In summary, the available evidence is currently insufficient to determine the role of this variant in disease. Therefore, it has been classified as a Variant of Uncertain Significance. Algorithms developed to predict the effect of missense changes on protein structure and function are either unavailable or do not agree on the potential impact of this missense change (SIFT: "Deleterious"; PolyPhen-2: "Benign"; Align-GVGD: "Class C15"). ClinVar contains an entry for this variant (Variation ID: 1010307). This variant has not been reported in the literature in individuals affected with CHEK2-related conditions.